The following is an entry in ClinVar:

GRCh38/hg38 7q11.1-11.21(chr7:61006478-62410831)x3

Gene: TRH-GTG2-1 (tRNA-His (GTG) 2-1). Cytogenetic location: 7q11.1-11.21.
Variant type: copy number gain.
Change: copy number 3 (three copies instead of two) of chr7:61,006,478-62,410,831 (1.40 Mb, GRCh38 coordinates, 1-based), cytogenetic band 7q11.1-11.21.
Identifiers: ClinVar variation 57789 (VCV000057789.1).

ClinVar aggregate classification (germline): Uncertain significance (1 of 4 stars; one submission).

Submission:

ISCA site 15
Classification: Uncertain significance. Last evaluated: 2011-08-12. Review status: criteria provided, single submitter. Criteria: Kaminsky et al. (Genet Med. 2011). Collection method: clinical testing. Allele origin: unknown. Affected: yes. Observed: 1 variant allele.
Comment: Copy number variation identified through the course of routine clinical cytogenomic testing in postnatal populations. Clinical assertions have been curated as described in Kaminsky et al. 2011.